The following is an entry in ClinVar:

ClinVar aggregate classification (germline): Uncertain significance. Review status: criteria provided, multiple submitters, no conflicts (2 of 4 stars). 2 submissions from 2 submitters: Uncertain significance (2). Last evaluated 2025-06-19.

Allele frequency attached by ClinVar (database versions not stated): gnomAD 0.00003; ESP Exome Variant Server 0.00008; TOPMed 0.00003; ExAC 0.00005.
gnomAD v4.1: 34 of 1,610,316 alleles (0.0021%); highest among the groups gnomAD compares: South Asian, 0.012%; 1 homozygote.

Submissions (2):

Labcorp Genetics (formerly Invitae), Labcorp
Classification: Uncertain significance. Last evaluated: 2025-06-19. Review status: criteria provided, single submitter. Criteria: Invitae Variant Classification Sherloc (09022015). Collection method: clinical testing. Allele origin: germline.
Comment: This sequence change replaces proline, which is neutral and non-polar, with leucine, which is neutral and non-polar, at codon 102 of the IGF2 protein (p.Pro102Leu). This variant is present in population databases (rs369122420, gnomAD 0.02%). This variant has not been reported in the literature in individuals affected with IGF2-related conditions. ClinVar contains an entry for this variant (Variation ID: 2885052). An algorithm developed to predict the effect of missense changes on protein structure and function (PolyPhen-2) suggests that this variant is likely to be disruptive. In summary, the available evidence is currently insufficient to determine the role of this variant in disease. Therefore, it has been classified as a Variant of Uncertain Significance.

Women's Health and Genetics/Laboratory Corporation of America, LabCorp
Classification: Uncertain significance. Last evaluated: 2024-02-14. Review status: criteria provided, single submitter. Criteria: LabCorp Variant Classification Summary - May 2015. Collection method: clinical testing. Allele origin: germline.
Comment: Variant summary: IGF2 c.305C>T (p.Pro102Leu) results in a non-conservative amino acid change in the encoded protein sequence. Four of five in-silico tools predict a damaging effect of the variant on protein function. Several computational tools predict a significant impact on normal splicing: Three predict the variant weakens a 5' donor site. However, these predictions have yet to be confirmed by functional studies. The variant allele was found at a frequency of 2.9e-05 in 244462 control chromosomes in the gnomAD database, including 1 homozygote. The available data on variant occurrences in the general population are insufficient to allow any conclusion about variant significance. c.305C>T has been reported in the literature in at least one individual in the Cancer Genome Atlas Database (e.g. Rotwein_2018). These report(s) do not provide unequivocal conclusions about association of the variant with Silver-Russell Syndrome 1. To our knowledge, no experimental evidence demonstrating an impact on protein function has been reported. The following publication has been ascertained in the context of this evaluation (PMID: 29414792). No submitters have cited clinical-significance assessments for this variant to ClinVar. Based on the evidence outlined above, the variant was classified as uncertain significance.

Literature cited by the submitters: PubMed 29414792 (cited by Women's Health and Genetics/Laboratory Corporation of America, LabCorp).

NM_000612.6(IGF2):c.305C>T (p.Pro102Leu)

Genes: IGF2 (insulin like growth factor 2; minus strand), INS-IGF2 (INS-IGF2 readthrough; minus strand). Cytogenetic location: 11p15.5.
Variant type: single nucleotide variant.
Coding change: c.305C>T on transcript NM_000612.6 (MANE Select); coding-DNA position 305, C replaced by T.
Protein change: p.Pro102Leu; replaces proline 102 with leucine.
Molecular consequence: missense variant. On other transcripts: non-coding transcript variant (1).
Genome position (GRCh38, 1-based): chr11:2,133,518, G>A on the plus strand (C>T on the coding strand, the complement: IGF2 is on the minus strand). VCF-style: chr11-2133518-G-A. GRCh37 (hg19) VCF-style: chr11-2154748-G-A.
Other names: c.305C>T, p.Pro102Leu (NM_001007139.6, NM_001291861.3, NM_001291862.3); c.473C>T, p.Pro158Leu (NM_001127598.3); short protein forms P158L, P102L.
Identifiers: ClinVar variation 2885052 (VCV002885052.5), dbSNP rs369122420, ClinGen allele CA5817652.